The following is an entry in ClinVar:

NM_000516.7(GNAS):c.1104C>T (p.Asp368=)

Gene: GNAS (GNAS complex locus; plus strand). Cytogenetic location: 20q13.32.
Variant type: single nucleotide variant.
Coding change: c.1104C>T on transcript NM_000516.7 (MANE Select); coding-DNA position 1104, C replaced by T.
Protein change: p.Asp368=; no amino-acid change (aspartic acid 368 retained).
Molecular consequence: synonymous variant. On other transcripts: 3 prime UTR variant (2).
Genome position (GRCh38, 1-based): chr20:58,910,748, C>T. VCF-style: chr20-58910748-C-T. GRCh37 (hg19) VCF-style: chr20-57485803-C-T.
Other names: c.1107C>T, p.Asp369= (NM_001077488.5); c.1059C>T, p.Asp353= (NM_001077489.4); c.*965C>T (NM_001077490.3); c.927C>T, p.Asp309= (NM_001309840.2, NM_001309861.2); c.1008C>T, p.Asp336= (NM_001410912.1); c.2988C>T, p.Asp996= (NM_001410913.1); c.*1010C>T (NM_016592.5); c.3033C>T, p.Asp1011= (NM_080425.4); and 1 more.
Identifiers: ClinVar variation 3355904 (VCV003355904.1).

ClinVar aggregate classification (germline): Likely benign (0 of 4 stars; one submission).

Conditions:
GNAS-related disorder. Identifiers: MedGen CN380105.

gnomAD v4.1: 2 of 1,614,086 alleles (0.00012%); highest among the groups gnomAD compares: Non-Finnish European, 0.00017%; no homozygotes.

Submission:

PreventionGenetics, part of Exact Sciences
Classification: Likely benign for GNAS-related condition. Last evaluated: 2023-05-24. Review status: no assertion criteria provided. Collection method: clinical testing. Allele origin: germline.
Comment: This variant is classified as likely benign based on ACMG/AMP sequence variant interpretation guidelines (Richards et al. 2015 PMID: 25741868, with internal and published modifications).